The following is an entry in ClinVar:

ClinVar aggregate classification (germline): Pathogenic. Review status: reviewed by expert panel (3 of 4 stars). 5 submissions from 5 submitters: Pathogenic (1). 4 of the submissions do not count toward it. Last evaluated 2024-02-09.

Conditions:
Hereditary factor VIII deficiency disease (HEMA). Also called: AUTOSOMAL HEMOPHILIA A; Hemophilia A; Hemophilia A, congenital; HEM A; Factor 8 deficiency, congenital; HEMOPHILIA, CLASSIC. Identifiers: Orphanet 98878, MedGen C0019069, MONDO:0010602, OMIM 306700.
Thrombophilia, X-linked, due to factor 8 defect. Also called: Thrombophilia 13, X-linked, due to factor VIII defect; THROMBOPHILIA, X-LINKED, DUE TO FACTOR VIII DEFECT. Identifiers: MedGen C5676879, MONDO:0859082, OMIM 301071.

Submissions (5):

ClinGen Coagulation Factor Deficiency Variant Curation Expert Panel, Clingen
Classification: Pathogenic for Hereditary factor VIII deficiency disease. Last evaluated: 2024-02-09. Review status: reviewed by expert panel. Criteria: ClinGen CoagFactor ACMG Specifications F8 V1.0.0. Collection method: curation. Allele origin: germline. Inheritance: X-linked inheritance.
Comment: The NM_000132.3(F8):c.4121_4124del (p.Ile1374fs) variant is a frameshift variant that is predicted to introduce a premature stop codon in exon 14 and expected to result in nonsense-mediated mRNA decay, which meets PVS1. It is reported in at least 7 patients with moderate or severe hemophilia A in the literature reviewed (PMID: 22103590, 20102490, 8307558, 9829908, 17498081, 20028422) meeting PS4_Very strong. There are additional probands with the variant reported in the EAHAD database, recorded from the literature. The variant is absent from gnomAD v2.1.1 and v3, which meets PM2_Supporting. In summary, this variant meets criteria to be classified as pathogenic. ACMG/AMP criteria applied, as specified by the Coagulation Factor Deficiency Variant Curation Expert Panel for F8: PVS1, PS4, PM2_Supporting.

Human Genetic Diversity Lab, University of the Republic of Uruguay
Classification: Pathogenic for Hereditary factor VIII deficiency disease. Last evaluated: 2026-02-02. Review status: criteria provided, single submitter. Criteria: ACMG Guidelines, 2015. Collection method: research. Allele origin: germline. Inheritance: X-linked recessive inheritance. Affected: yes. Observed: 2 variant alleles, 2 hemizygotes. Not counted in ClinVar's aggregate classification.
Comment: The Ile1374Thrfs*49 variant in F8 has not been reported in public databases and was absent from large population studies (it was neither found in ExAC nor in 1000G). The variant is a frameshift that produces a stop codon in exon 14, that is, it is a null variant, classified as PSV1. In summary, the p.Ile1374Thrfs*49 variant meets our criteria for classification as pathogenic based on segregation studies, absence from controls, and functional effects.

Fulgent Genetics
Classification: Pathogenic for Thrombophilia, X-linked, due to factor 8 defect; Hereditary factor VIII deficiency disease. Last evaluated: 2021-08-04. Review status: criteria provided, single submitter. Criteria: ACMG Guidelines, 2015. Collection method: clinical testing. Allele origin: unknown. Not counted in ClinVar's aggregate classification.

Angelo Bianchi Bonomi Hemophilia and Thrombosis Center, Fondazione IRCCS Ca Granda Ospedale Maggiore Policlinico
Classification: Pathogenic for Hereditary factor VIII deficiency disease. Last evaluated: 2019-06-01. Review status: no assertion criteria provided. Collection method: clinical testing. Allele origin: germline. Affected: yes. Observed: 2 variant alleles. Not counted in ClinVar's aggregate classification.

OMIM
Classification: Pathogenic for HEMOPHILIA A. Last evaluated: 1993-12-01. Review status: no assertion criteria provided. Collection method: literature only. Allele origin: germline. Not counted in ClinVar's aggregate classification.

Literature cited by the submitters: DOI 10.1056/NEJMsr1406261 (cited by Human Genetic Diversity Lab, University of the Republic of Uruguay); PubMed 20028422 (cited by Angelo Bianchi Bonomi Hemophilia and Thrombosis Center, Fondazione IRCCS Ca Granda Ospedale Maggiore Policlinico); PubMed 17498081 (cited by Angelo Bianchi Bonomi Hemophilia and Thrombosis Center, Fondazione IRCCS Ca Granda Ospedale Maggiore Policlinico); PubMed 9829908 (cited by Angelo Bianchi Bonomi Hemophilia and Thrombosis Center, Fondazione IRCCS Ca Granda Ospedale Maggiore Policlinico); PubMed 8307558 (cited by Angelo Bianchi Bonomi Hemophilia and Thrombosis Center, Fondazione IRCCS Ca Granda Ospedale Maggiore Policlinico and OMIM); PubMed 20102490 (cited by Angelo Bianchi Bonomi Hemophilia and Thrombosis Center, Fondazione IRCCS Ca Granda Ospedale Maggiore Policlinico); PubMed 29296726 (cited by Angelo Bianchi Bonomi Hemophilia and Thrombosis Center, Fondazione IRCCS Ca Granda Ospedale Maggiore Policlinico); PubMed 19369668 (cited by Angelo Bianchi Bonomi Hemophilia and Thrombosis Center, Fondazione IRCCS Ca Granda Ospedale Maggiore Policlinico).

NM_000132.4(F8):c.4121_4124del (p.Ile1374fs)

Gene: F8 (coagulation factor VIII; minus strand). Cytogenetic location: Xq28.
Variant type: Deletion.
Coding change: c.4121_4124del on transcript NM_000132.4 (MANE Select); coding-DNA positions 4121 to 4124, 4 bases deleted (TAGA; older notation c.4121_4124delTAGA).
Protein change: p.Ile1374fs; shifts the reading frame from isoleucine 1374.
Molecular consequence: frameshift variant.
Genome position (GRCh38, 1-based): chrX:154,929,666-154,929,669, TCTA deleted on the plus strand (TAGA on the coding strand, the reverse complement: F8 is on the minus strand); deleting any 4 consecutive bases within chrX:154,929,666-154,929,672 gives the same sequence; the c. name uses the placement nearest the transcript's 3' end. VCF-style (leftmost placement, unchanged base first): chrX-154929665-GTCTA-G. GRCh37 (hg19) VCF-style: chrX-154157940-GTCTA-G.
Other names: F8, 4-BP DEL, FS; NM_000132.3(F8):c.4121_4124del; p.Ile1374fs; c.4118_4121delAGAT (NM_000132.4); short protein forms I1374fs.
Identifiers: ClinVar variation 10256 (VCV000010256.9), dbSNP rs387906452, ClinGen allele CA255148.
Genomic context (GRCh38, chrX:154,929,665, plus strand): 5'-CCTCGTAAGGCAATCTGATAAGGGAGACTGAGTAATGGCCCCTTTCTCCTTCTCATTGTA[GTCTA>G]TCTGTGTGAGGGTGCTCGGGGTCAAATGTTTCATGTTTTTGGACCACTGGGTTGAGGTGT-3'